The following is an entry in ClinVar:

ClinVar aggregate classification (germline): Uncertain significance (1 of 4 stars; one submission).

Conditions:
Hereditary cancer-predisposing syndrome. Also called: Neoplastic Syndromes, Hereditary; Tumor predisposition; Hereditary neoplastic syndrome; Hereditary Cancer Syndrome. Identifiers: Orphanet 140162, MedGen C0027672, MeSH D009386, MONDO:0015356.

Submission:

Ambry Genetics
Classification: Uncertain significance for Hereditary cancer-predisposing syndrome. Last evaluated: 2024-05-10. Review status: criteria provided, single submitter. Criteria: Ambry Variant Classification Scheme 2023. Collection method: clinical testing. Allele origin: germline.
Comment: The p.Y43N variant (also known as c.127T>A), located in coding exon 3 of the POT1 gene, results from a T to A substitution at nucleotide position 127. The tyrosine at codon 43 is replaced by asparagine, an amino acid with dissimilar properties. This amino acid position is conserved. In addition, the in silico prediction for this alteration is inconclusive. Based on the available evidence, the clinical significance of this variant remains unclear.

NM_015450.3(POT1):c.127T>A (p.Tyr43Asn)

Gene: POT1 (protection of telomeres 1; minus strand). Cytogenetic location: 7q31.33.
Variant type: single nucleotide variant.
Coding change: c.127T>A on transcript NM_015450.3 (MANE Select); coding-DNA position 127, T replaced by A.
Protein change: p.Tyr43Asn; replaces tyrosine 43 with asparagine.
Molecular consequence: missense variant. On other transcripts: non-coding transcript variant (3), intron variant (1).
Genome position (GRCh38, 1-based): chr7:124,871,039, A>T on the plus strand (T>A on the coding strand, the complement: POT1 is on the minus strand). VCF-style: chr7-124871039-A-T. GRCh37 (hg19) VCF-style: chr7-124511093-A-T.
Other names: c.-138-7399T>A (NM_001042594.2); short protein forms Y43N.
Identifiers: ClinVar variation 3308966 (VCV003308966.1).